The following is an entry in ClinVar:

ClinVar aggregate classification (germline): Uncertain significance (1 of 4 stars; one submission).

Conditions:
Epilepsy, familial focal, with variable foci 3 (FFEVF3). Identifiers: MedGen C4310708, MONDO:0014925, OMIM 617118.

Allele frequency attached by ClinVar (database versions not stated): ExAC 0.00001.
gnomAD v4.1: 1 of 1,613,444 alleles (0.000062%); highest among the groups gnomAD compares: Admixed American, 0.0017%; no homozygotes.

Submission:

Labcorp Genetics (formerly Invitae), Labcorp
Classification: Uncertain significance for Epilepsy, familial focal, with variable foci 3. Last evaluated: 2023-05-16. Review status: criteria provided, single submitter. Criteria: Invitae Variant Classification Sherloc (09022015). Collection method: clinical testing. Allele origin: germline.
Comment: In summary, the available evidence is currently insufficient to determine the role of this variant in disease. Therefore, it has been classified as a Variant of Uncertain Significance. Advanced modeling of protein sequence and biophysical properties (such as structural, functional, and spatial information, amino acid conservation, physicochemical variation, residue mobility, and thermodynamic stability) performed at Invitae indicates that this missense variant is not expected to disrupt NPRL3 protein function. This variant has not been reported in the literature in individuals affected with NPRL3-related conditions. The frequency data for this variant in the population databases is considered unreliable, as metrics indicate poor data quality at this position in the gnomAD database. This sequence change replaces asparagine, which is neutral and polar, with lysine, which is basic and polar, at codon 485 of the NPRL3 protein (p.Asn485Lys).

NM_001077350.3(NPRL3):c.1455C>A (p.Asn485Lys)

Genes: HBA-LCR (alpha-globin locus control region; plus strand), NPRL3 (NPR3 like, GATOR1 complex subunit; minus strand). Cytogenetic location: 16p13.3.
Variant type: single nucleotide variant.
Coding change: c.1455C>A on transcript NM_001077350.3 (MANE Select); coding-DNA position 1455, C replaced by A.
Protein change: p.Asn485Lys; replaces asparagine 485 with lysine.
Molecular consequence: missense variant.
Genome position (GRCh38, 1-based): chr16:88,787, G>T on the plus strand (C>A on the coding strand, the complement: NPRL3 is on the minus strand). VCF-style: chr16-88787-G-T. GRCh37 (hg19) VCF-style: chr16-138785-G-T.
Other names: c.918C>A, p.Asn306Lys (NM_001039476.3); c.1221C>A, p.Asn407Lys (NM_001243247.2); c.1380C>A, p.Asn460Lys (NM_001243248.2, NM_001243249.2); short protein forms N485K, N407K, N460K, N306K.
Identifiers: ClinVar variation 2805369 (VCV002805369.3), dbSNP rs746552103, ClinGen allele CA7769323.